The following is an entry in ClinVar:

NM_001913.5(CUX1):c.1902+1G>T

Gene: CUX1 (cut like homeobox 1; plus strand). Cytogenetic location: 7q22.1.
Variant type: single nucleotide variant.
Coding change: c.1902+1G>T on transcript NM_001913.5 (MANE Plus Clinical); the canonical splice donor site of the intron after coding-DNA position 1902, G replaced by T.
Molecular consequence: splice donor variant.
Genome position (GRCh38, 1-based): chr7:102,281,921, G>T. VCF-style: chr7-102281921-G-T. GRCh37 (hg19) VCF-style: chr7-101925213-G-T.
Other names: c.1896+1G>T (NM_181500.4); c.1764+1G>T (NM_001202545.3); c.1854+1G>T (NM_001202544.3); c.1785+1G>T (NM_001202546.3).
Identifiers: ClinVar variation 3377149 (VCV003377149.1).
Genomic context (GRCh38, chr7:102,281,921, plus strand): 5'-AAGATGGCGCGCACCATCGGCTTCTTCTACACACTGTTCCTGCACTGCCTGGTCTTCCTG[G>T]TGAGTGTGCACACGGGCGGGCCAGAGGCACATTCACCATCCCCAGCCCTGACCTCCAGGG-3'

ClinVar aggregate classification (germline): Uncertain significance (1 of 4 stars; one submission).

Conditions:
Global developmental delay with or without impaired intellectual development. Identifiers: MedGen C5193032, MONDO:0032680, OMIM 618330.

gnomAD v4.1: 3 of 1,606,742 alleles (0.00019%); highest among the groups gnomAD compares: South Asian, 0.0033%; no homozygotes.

Submission:

Victorian Clinical Genetics Services, Murdoch Childrens Research Institute
Classification: Uncertain significance for Global developmental delay with or without impaired intellectual development. Last evaluated: 2024-10-09. Review status: criteria provided, single submitter. Criteria: ACMG Guidelines, 2015. Collection method: clinical testing. Allele origin: germline. Inheritance: Autosomal dominant inheritance. Affected: yes.
Comment: Based on the classification scheme VCGS_Germline_v1.3.4, this variant is classified as VUS-3B. Following criteria are met: 0102 - Loss of function is a known mechanism of disease in this gene and is associated with Global developmental delay with or without impaired intellectual development. (I) 0107 - This gene is associated with autosomal dominant disease. (I) 0211 - Canonical splice site variant without proven consequence on splicing (no functional evidence available). (SP) 0219 - This variant is non-coding in an alternative transcript (UCSC). This variant is non-coding and not in a splice site in the ClinVar predominant and MANE select transcript for this gene (NM_181552.4). However, it is in a canonical splice site in the MANE Plus Clinical transcript (NM_001913.4) which is highly expressed in GTEx. (I) 0251 - This variant is heterozygous. (I) 0302 - Variant is present in gnomAD (v2) <0.001 for a dominant condition (1 heterozygote, 0 homozygotes). (SP) 0505 - Abnormal splicing is predicted by in silico tools and affected nucleotide is highly conserved. (SP) 0705 - No comparable canonical splice variants have previous evidence for pathogenicity. (I) 0807 - This variant has no previous evidence of pathogenicity. (I) 0905 - No published segregation evidence has been identified for this variant. (I) 1007 - No published functional evidence has been identified for this variant. (I) Legend: (SP) - Supporting pathogenic, (I) - Information, (SB) - Supporting benign